The following is an entry in ClinVar:

ClinVar aggregate classification (germline): Pathogenic (1 of 4 stars; one submission).

Conditions:
Hereditary cancer-predisposing syndrome. Also called: Neoplastic Syndromes, Hereditary; Hereditary Cancer Syndrome; Hereditary neoplastic syndrome; Tumor predisposition. Identifiers: Orphanet 140162, MedGen C0027672, MeSH D009386, MONDO:0015356.

Submission:

Ambry Genetics
Classification: Pathogenic for Hereditary cancer-predisposing syndrome. Last evaluated: 2023-05-05. Review status: criteria provided, single submitter. Criteria: Ambry Variant Classification Scheme 2023. Collection method: clinical testing. Allele origin: germline.
Comment: The c.546delC pathogenic mutation, located in coding exon 6 of the PMS2 gene, results from a deletion of one nucleotide at nucleotide position 546, causing a translational frameshift with a predicted alternate stop codon (p.M184Wfs*17). This variant is considered to be rare based on population cohorts in the Genome Aggregation Database (gnomAD). This alteration is expected to result in loss of function by premature protein truncation or nonsense-mediated mRNA decay. As such, this alteration is interpreted as a disease-causing mutation.

NM_000535.7(PMS2):c.546del (p.Met184fs)

Gene: PMS2 (PMS1 homolog 2, mismatch repair system component; minus strand). Cytogenetic location: 7p22.1.
Variant type: Deletion.
Coding change: c.546del on transcript NM_000535.7 (MANE Select); coding-DNA position 546, one base deleted (C; older notation c.546delC).
Protein change: p.Met184fs; shifts the reading frame from methionine 184.
Molecular consequence: frameshift variant. On other transcripts: non-coding transcript variant (1), intron variant (9).
Genome position (GRCh38, 1-based): chr7:5,999,267, G deleted on the plus strand (C on the coding strand, the reverse complement: PMS2 is on the minus strand); the first of 2 consecutive G bases (chr7:5,999,267-5,999,268); deleting either gives the same sequence. VCF-style (leftmost placement, unchanged base first): chr7-5999266-TG-T. GRCh37 (hg19) VCF-style: chr7-6038897-TG-T.
Other names: c.546del, p.Met184fs (NM_001322014.2, NM_001406869.1, NM_001406870.1 and 5 more transcripts); c.237del, p.Met81fs (NM_001322015.2, NM_001406875.1, NM_001406877.1 and 6 more transcripts); c.141del, p.Met49fs (NM_001322009.2, NM_001322010.2, NM_001406887.1 and 21 more transcripts); c.732del, p.Met246fs (NM_001406866.1); c.570del, p.Met192fs (NM_001406868.1); c.228del, p.Met78fs (NM_001406876.1, NM_001406883.1, NM_001406901.1 and 4 more transcripts); c.132+3186del (NM_001406911.1); c.133-1844del (NM_001322013.2, NM_001406909.1); and 6 more; short protein forms M184fs, M192fs, M78fs, M81fs, M246fs, M49fs.
Identifiers: ClinVar variation 2566075 (VCV002566075.2), dbSNP rs2536327300, ClinGen allele CA2580615883.